The following is an entry in ClinVar:

ClinVar aggregate classification (germline): Uncertain significance (1 of 4 stars; one submission).

gnomAD v4.1: 2 of 1,613,872 alleles (0.00012%); highest among the groups gnomAD compares: Non-Finnish European, 0.00017%; no homozygotes.

Submission:

Labcorp Genetics (formerly Invitae), Labcorp
Classification: Uncertain significance. Last evaluated: 2022-06-18. Review status: criteria provided, single submitter. Criteria: Invitae Variant Classification Sherloc (09022015). Collection method: clinical testing. Allele origin: germline.
Comment: In summary, the available evidence is currently insufficient to determine the role of this variant in disease. Therefore, it has been classified as a Variant of Uncertain Significance. Algorithms developed to predict the effect of missense changes on protein structure and function are either unavailable or do not agree on the potential impact of this missense change (SIFT: "Tolerated"; PolyPhen-2: "Not Available"; Align-GVGD: "Class C0"). This variant has not been reported in the literature in individuals affected with CLTC-related conditions. This variant is not present in population databases (gnomAD no frequency). This sequence change replaces alanine, which is neutral and non-polar, with threonine, which is neutral and polar, at codon 71 of the CLTC protein (p.Ala71Thr).

NM_004859.4(CLTC):c.211G>A (p.Ala71Thr)

Gene: CLTC (clathrin heavy chain; plus strand). Cytogenetic location: 17q23.1.
Variant type: single nucleotide variant.
Coding change: c.211G>A on transcript NM_004859.4 (MANE Select); coding-DNA position 211, G replaced by A.
Protein change: p.Ala71Thr; replaces alanine 71 with threonine.
Molecular consequence: missense variant.
Genome position (GRCh38, 1-based): chr17:59,644,444, G>A. VCF-style: chr17-59644444-G-A. GRCh37 (hg19) VCF-style: chr17-57721805-G-A.
Other names: c.211G>A, p.Ala71Thr (NM_001288653.2); short protein forms A71T.
Identifiers: ClinVar variation 1970311 (VCV001970311.5), dbSNP rs2509357333, ClinGen allele CA400419039.